The following is an entry in ClinVar:

NM_000421.5(KRT10):c.71G>A (p.Gly24Glu)

Genes: KRT10 (keratin 10; minus strand), KRT10-AS1 (KRT10 antisense RNA 1; plus strand). Cytogenetic location: 17q21.2.
Variant type: single nucleotide variant.
Coding change: c.71G>A on transcript NM_000421.5 (MANE Select); coding-DNA position 71, G replaced by A.
Protein change: p.Gly24Glu; replaces glycine 24 with glutamic acid.
Molecular consequence: missense variant.
Genome position (GRCh38, 1-based): chr17:40,822,515, C>T on the plus strand (G>A on the coding strand, the complement: KRT10 is on the minus strand). VCF-style: chr17-40822515-C-T. GRCh37 (hg19) VCF-style: chr17-38978767-C-T.
Other names: c.71G>A, p.Gly24Glu (NM_001379366.1); c.71G>A (NM_000421.3); short protein forms G24E.
Identifiers: ClinVar variation 1050670 (VCV001050670.5), dbSNP rs556262610, ClinGen allele CA8548376.

ClinVar aggregate classification (germline): Uncertain significance. Review status: criteria provided, multiple submitters, no conflicts (2 of 4 stars). 4 submissions from 4 submitters: Uncertain significance (3). 1 of the submissions does not count toward it. Last evaluated 2025-01-08.

Allele frequency attached by ClinVar (database versions not stated): ExAC 0.00010; gnomAD exomes 0.00013 and 0.00020; TOPMed 0.00019; gnomAD 0.00020 and 0.00021; 1000 Genomes Project 0.00040.
gnomAD v4.1: 165 of 1,127,218 alleles (0.015%); highest among the groups gnomAD compares: Middle Eastern, 0.4%; no homozygotes.

Submissions (4):

GeneDx
Classification: Uncertain significance. Last evaluated: 2025-01-08. Review status: criteria provided, single submitter. Criteria: GeneDx Variant Classification Process June 2021. Collection method: clinical testing. Allele origin: germline. Affected: yes.
Comment: Has not been previously published as pathogenic or benign to our knowledge; In silico analysis indicates that this missense variant does not alter protein structure/function

Labcorp Genetics (formerly Invitae), Labcorp
Classification: Uncertain significance. Last evaluated: 2024-03-22. Review status: criteria provided, single submitter. Criteria: Invitae Variant Classification Sherloc (09022015). Collection method: clinical testing. Allele origin: germline.
Comment: This sequence change replaces glycine, which is neutral and non-polar, with glutamic acid, which is acidic and polar, at codon 24 of the KRT10 protein (p.Gly24Glu). The frequency data for this variant in the population databases is considered unreliable, as metrics indicate poor data quality at this position in the gnomAD database. This variant has not been reported in the literature in individuals affected with KRT10-related conditions. ClinVar contains an entry for this variant (Variation ID: 1050670). Advanced modeling of protein sequence and biophysical properties (such as structural, functional, and spatial information, amino acid conservation, physicochemical variation, residue mobility, and thermodynamic stability) performed at Invitae indicates that this missense variant is not expected to disrupt KRT10 protein function with a negative predictive value of 80%. In summary, the available evidence is currently insufficient to determine the role of this variant in disease. Therefore, it has been classified as a Variant of Uncertain Significance.

Breakthrough Genomics
Classification: Uncertain significance. Review status: criteria provided, single submitter. Criteria: ACMG Guidelines, 2015. Collection method: not provided. Allele origin: germline. Inheritance: Autosomal recessive inheritance. Affected: yes.

Department of Pathology and Laboratory Medicine, Sinai Health System
Classification: Uncertain significance. Review status: no assertion criteria provided. Collection method: clinical testing. Allele origin: unknown. Affected: yes. Study: The Canadian Open Genetics Repository (COGR). Not counted in ClinVar's aggregate classification.
Comment: The KRT10 p.Gly24Glu variant was not identified in the literature nor was it identified in ClinVar, Cosmic or LOVD 3.0. The variant was identified in dbSNP (ID: rs556262610) and in control databases in 35 of 181590 chromosomes at a frequency of 0.000193 (Genome Aggregation Database Feb 27, 2017). The variant was observed in the following populations: Latino in 11 of 20844 chromosomes (freq: 0.000528), Other in 2 of 4568 chromosomes (freq: 0.000438), South Asian in 4 of 18478 chromosomes (freq: 0.000217) and European (non-Finnish) in 18 of 85730 chromosomes (freq: 0.00021); it was not observed in the African, Ashkenazi Jewish, East Asian, and European (Finnish) populations. The p.Gly24 residue is conserved in mammals and computational analyses (PolyPhen-2, SIFT, AlignGVGD, BLOSUM, MutationTaster) provide inconsistent predictions regarding the impact to the protein; this information is not very predictive of pathogenicity. The variant occurs outside of the splicing consensus sequence and in silico or computational prediction software programs (SpliceSiteFinder, MaxEntScan, NNSPLICE, GeneSplicer) do not predict a difference in splicing. In summary, based on the above information the clinical significance of this variant cannot be determined with certainty at this time. This variant is classified as a variant of uncertain significance.